The following continues an entry in ClinVar:

NM_007294.4(BRCA1):c.2722G>T (p.Glu908Ter)

Gene: BRCA1. ClinVar aggregate classification (germline): Pathogenic. Pathogenic (1).

Submissions 12 to 32 of 36:

Blueprint Genetics
Classification: Pathogenic for BRCA1-related disorders. Last evaluated: 2022-12-08. Review status: criteria provided, single submitter. Criteria: ACMG Guidelines, 2015. Collection method: clinical testing. Allele origin: germline. Affected: yes. Observed: 1 variant allele. Not counted in ClinVar's aggregate classification.

Revvity Omics, Revvity
Classification: Pathogenic. Last evaluated: 2022-07-13. Review status: criteria provided, single submitter. Criteria: ACMG Guidelines, 2015. Collection method: clinical testing. Allele origin: germline. Not counted in ClinVar's aggregate classification.

Genetics and Genomic Medicine Centre, NeuroGen Healthcare, NeuroGen Healthcare
Classification: Pathogenic for Fanconi anemia, complementation group S. Last evaluated: 2020-11-07. Review status: criteria provided, single submitter. Criteria: Submitter's publication. Collection method: clinical testing. Allele origin: unknown. Affected: no. Not counted in ClinVar's aggregate classification.

Institute of Medical Genetics and Applied Genomics, University Hospital Tübingen
Classification: Pathogenic. Last evaluated: 2020-10-23. Review status: criteria provided, single submitter. Criteria: ACMG Guidelines, 2015. Collection method: clinical testing. Allele origin: germline. Inheritance: Unknown mechanism. Affected: yes. Not counted in ClinVar's aggregate classification.

GeneDx
Classification: Pathogenic. Last evaluated: 2020-08-25. Review status: criteria provided, single submitter. Criteria: GeneDx Variant Classification Process June 2021. Collection method: clinical testing. Allele origin: germline. Affected: yes. Not counted in ClinVar's aggregate classification.
Comment: Nonsense variant predicted to result in protein truncation or nonsense mediated decay in a gene for which loss-of-function is a known mechanism of disease; Observed in individuals with a personal or family history consistent with pathogenic variants in this gene (Serova 1996, Sugano 2008, Boukerroucha 2015, Conroy 2017); Not observed in large population cohorts (gnomAD); Truncating variants in this gene are considered pathogenic by a well-established clinical consortium and/or database; Also known as 2841G>T; This variant is associated with the following publications: (PMID: 26010302, 25722380, 28152038, 22006311, 8554067, 22009639, 24055113, 25880076, 25637381, 10553024, 9150151, 19016756, 25452441, 18465347, 16615107, 20104584, 19949876, 14574155, 9465809, 16528604, 9667259, 12393792, 25504618, 24549055, 27767231, 28959512, 29907814, 29470806, 28724667, 30702160, 29446198, 28176296, 25525159, 31825140, 31742824, 11597388)

GeneKor MSA
Classification: Pathogenic. Last evaluated: 2020-01-01. Review status: criteria provided, single submitter. Criteria: ACMG Guidelines, 2015. Collection method: clinical testing. Allele origin: germline. Not counted in ClinVar's aggregate classification.
Comment: This is a single base substitution, replacing the Glutamate at position 908 of the BRCA1 protein by a Termination codon. It is expected to result in an absent or disrupted protein product. Truncating variants in BRCA1 are known to be pathogenic. The mutation database ClinVar contains entries for this variant (Variation ID: 54657).

Human Genome Sequencing Center Clinical Lab, Baylor College of Medicine
Classification: Pathogenic for Familial breast-ovarian cancer 1. Last evaluated: 2019-02-01. Review status: criteria provided, single submitter. Criteria: ACMG Guidelines, 2015. Collection method: clinical testing. Allele origin: germline. Not counted in ClinVar's aggregate classification.
Comment: The c.2722G>T (p.Glu908*) variant in the BRCA1 gene is predicted to introduce a premature translation termination codon. This variant has been reported in multiple individuals affected with breast or ovarian cancer (PMID 8554067, 19016756, 19949876, 22006311, 22009639, 25880076). This variant is not observed in gnomAD database. Therefore, the c.1953_1956delGAAA (p.Lys653Serfs*47) variant in the BRCA1 gene is classified as pathogenic.

CeGaT Center for Human Genetics Tuebingen
Classification: Pathogenic. Last evaluated: 2018-12-01. Review status: criteria provided, single submitter. Criteria: CeGaT Center For Human Genetics Tuebingen Variant Classification Criteria Version 2. Collection method: clinical testing. Allele origin: germline. Affected: yes. Observed: 1 variant allele. Not counted in ClinVar's aggregate classification.

Fulgent Genetics
Classification: Pathogenic for Familial cancer of breast; Breast-ovarian cancer, familial, susceptibility to, 1; Pancreatic cancer, susceptibility to, 4; Fanconi anemia, complementation group S. Last evaluated: 2018-10-31. Review status: criteria provided, single submitter. Criteria: ACMG Guidelines, 2015. Collection method: clinical testing. Allele origin: unknown. Not counted in ClinVar's aggregate classification.

HudsonAlpha Institute for Biotechnology
Classification: Pathogenic for Breast-ovarian cancer, familial, susceptibility to, 1. Last evaluated: 2017-10-24. Review status: criteria provided, single submitter. Criteria: ACMG Guidelines, 2015. Collection method: research. Allele origin: unknown. Observed: 1 variant allele. Study: AGHI-GT-HudsonAlpha. Not counted in ClinVar's aggregate classification.

Laboratory for Molecular Medicine, Mass General Brigham Personalized Medicine
Classification: Pathogenic for Hereditary breast ovarian cancer syndrome. Last evaluated: 2016-10-04. Review status: criteria provided, single submitter. Criteria: LMM Criteria. Collection method: clinical testing. Allele origin: germline. Inheritance: Autosomal dominant inheritance. Observed: 3 variant alleles. Not counted in ClinVar's aggregate classification.
Comment: The p.Glu908X variant in BRCA1 has been reported in >60 individuals with BRCA1-a ssociated cancers (Serova 1996, Couch 2015, Boukerroucha 2015, Breast Cancer Inf ormation Core (BIC), Sharing Clinical Reports Project). This variant has been id entified in 1/8600 European chromosomes by the NHLBI Exome Sequencing Project (dbSNP rs80356978). This nonsense variant leads to a premature termination codon at position 908, which is predicted to lead to a truncated or absent protein. Heterozygous loss of function of the BRCA1 gene is an established disease mechanism in individuals with hereditary breast and ov arian cancer (HBOC). In addition, this variant was classified as Pathogenic on S eptember 8, 2016 by the ClinGen-approved ENIGMA expert panel (ClinVar SCV0002998 19.2). In summary, this variant meets our criteria to be classified as pathogeni c for HBOC in an autosomal dominant manner.

Women's Health and Genetics/Laboratory Corporation of America, LabCorp
Classification: Pathogenic for Hereditary breast ovarian cancer syndrome. Last evaluated: 2016-08-15. Review status: criteria provided, single submitter. Criteria: LabCorp Variant Classification Summary - May 2015. Collection method: clinical testing. Allele origin: germline. Not counted in ClinVar's aggregate classification.
Comment: Variant summary: The BRCA1 c.2722G>T (p.Glu908X) variant results in a premature termination codon, predicted to cause a truncated or absent BRCA1 protein due to nonsense mediated decay, which are commonly known mechanisms for disease. If a stable protein is made, Glu908X is predicted to eliminate the BRCT domain. Truncations downstream of this position have been classified as pathogenic by our laboratory (e.g. p.Val923fsX76, p.Asp936fsX63, etc.). One in silico tool predicts a damaging outcome for this variant. This variant was found in 1/121362 control chromosomes at a frequency of 0.0000082, which does not exceed the estimated maximal expected allele frequency of a pathogenic BRCA1 variant (0.0010005). The variant was cited in multiple HBOC patients in the literature and was shown to co-segregate with disease. In addition, multiple clinical diagnostic laboratories/reputable databases classified this variant as pathogenic. Taken together, this variant is classified as pathogenic.

Consortium of Investigators of Modifiers of BRCA1/2 (CIMBA), c/o University of Cambridge
Classification: Pathogenic for Breast-ovarian cancer, familial, susceptibility to, 1. Last evaluated: 2015-10-02. Review status: criteria provided, single submitter. Criteria: CIMBA Mutation Classification guidelines May 2016. Collection method: clinical testing. Allele origin: germline. Not counted in ClinVar's aggregate classification.

Clinical Genetics DNA and cytogenetics Diagnostics Lab, Erasmus MC, Erasmus Medical Center
Classification: Pathogenic for Breast-ovarian cancer, familial, susceptibility to, 1. Last evaluated: 2015-09-21. Review status: criteria provided, single submitter. Criteria: ACGS Guidelines, 2013. Collection method: clinical testing. Allele origin: germline. Affected: yes. Study: VKGL Data-share Consensus. Not counted in ClinVar's aggregate classification.

Genome Diagnostics Laboratory, University Medical Center Utrecht
Classification: Pathogenic for Breast-ovarian cancer, familial, susceptibility to, 1. Last evaluated: 2014-10-08. Review status: criteria provided, single submitter. Criteria: ACGS Guidelines, 2013. Collection method: clinical testing. Allele origin: germline. Affected: yes. Study: VKGL Data-share Consensus. Not counted in ClinVar's aggregate classification.

Genesis Genomics
Classification: Pathogenic for Breast-ovarian cancer, familial, susceptibility to, 1. Review status: criteria provided, single submitter. Criteria: ACMG Guidelines, 2015. Collection method: clinical testing. Allele origin: germline. Affected: yes. Observed: 2 variant alleles. Not counted in ClinVar's aggregate classification.

Counsyl
Classification: Pathogenic for Breast-ovarian cancer, familial, susceptibility to, 1. Last evaluated: 2016-01-27. Review status: no assertion criteria provided. Collection method: clinical testing. Allele origin: unknown. Not counted in ClinVar's aggregate classification.

CSER _CC_NCGL, University of Washington
Classification: Pathogenic for Breast cancer. Last evaluated: 2014-06-01. Review status: no assertion criteria provided. Collection method: research. Allele origin: germline. Inheritance: Autosomal dominant inheritance. Study: ESP 6500 variant annotation. Not counted in ClinVar's aggregate classification.
Comment: Variants classified for the Actionable exomic incidental findings in 6503 participants: challenges of variant classification manuscript

Research Molecular Genetics Laboratory, Women's College Hospital, University of Toronto
Classification: Pathogenic for Hereditary breast ovarian cancer syndrome. Last evaluated: 2014-01-31. Review status: no assertion criteria provided. Collection method: research. Allele origin: germline. Affected: yes. Study: The Canadian Open Genetics Repository (COGR). Not counted in ClinVar's aggregate classification.

Sharing Clinical Reports Project (SCRP)
Classification: Pathogenic for Breast-ovarian cancer, familial 1. Last evaluated: 2012-05-02. Review status: no assertion criteria provided. Collection method: clinical testing. Allele origin: germline. Not counted in ClinVar's aggregate classification.

Breast Cancer Information Core (BIC) (BRCA1)
Classification: Pathogenic for Breast-ovarian cancer, familial 1. Last evaluated: 2002-05-29. Review status: no assertion criteria provided. Collection method: clinical testing. Allele origin: germline. Affected: yes. Observed: 62 variant alleles. Not counted in ClinVar's aggregate classification.